The following is an entry in ClinVar:

ClinVar aggregate classification (germline): Uncertain significance. Review status: criteria provided, multiple submitters, no conflicts (2 of 4 stars). 2 submissions from 2 submitters: Uncertain significance (2). Last evaluated 2021-06-17.

Conditions:
X-linked Opitz G/BBB syndrome (GBBB). Also called: MID1-Related Opitz G/BBB Syndrome; Opitz-Frias syndrome; OPITZ BBBG SYNDROME, TYPE I; OPITZ SYNDROME, X-LINKED; OPITZ-G SYNDROME, TYPE I. Identifiers: Orphanet 2745, MedGen C2936904, MONDO:0010222, OMIM 300000.

Allele frequency attached by ClinVar (database versions not stated): gnomAD exomes below 0.00001; TOPMed below 0.00001.
gnomAD v4.1: 2 of 1,210,594 alleles (0.00017%); highest among the groups gnomAD compares: Admixed American, 0.0022%; no homozygotes.

Submissions (2):

New York Genome Center
Classification: Uncertain significance for X-linked Opitz G/BBB syndrome. Last evaluated: 2021-06-17. Review status: criteria provided, single submitter. Criteria: NYGC Assertion Criteria 2020. Collection method: clinical testing. Allele origin: germline. Observed: 1 hemizygote. Study: CSER-NYCKidSeq.

GeneDx
Classification: Uncertain significance. Last evaluated: 2016-12-28. Review status: criteria provided, single submitter. Criteria: GeneDx Variant Classification (06012015). Collection method: clinical testing. Allele origin: germline. Affected: yes.
Comment: The K560R variant in the MID1 gene has been reported previously in a patient with hypospadias and hypertelorism, and was absent in 95 control individuals (Zhang et al., 2011). The K560R variant was not observed in approximately 6500 individuals of European and African American ancestry in the NHLBI Exome Sequencing Project, indicating it is not a common benign variant in these populations. The K560R variant is a conservative amino acid substitution, which is not likely to impact secondary protein structure as these residues share similar properties. This substitution occurs at a position where amino acids with similar properties to Lysine are tolerated across species. However, in silico analysis is inconsistent in its predictions as to whether or not the variant is damaging to the protein structure/function. As suggested by Zhang et al. (2011), multiple in silico algorithms predict that this sequence change might create a cryptic splice acceptor site in exon 6 that is downstream of and competes with the natural splice acceptor site. However, in the absence of RNA/functional studies, the actual effect of this sequence change in this individual is unknown. We interpret the K560R variant in the MID1 gene as a variant of uncertain significance.

NM_000381.4(MID1):c.1679A>G (p.Lys560Arg)

Genes: MID1 (midline 1; minus strand), LOC126863207 (BRD4-independent group 4 enhancer GRCh37_chrX:10416979-10418178; plus strand). Cytogenetic location: Xp22.2.
Variant type: single nucleotide variant.
Coding change: c.1679A>G on transcript NM_000381.4 (MANE Select); coding-DNA position 1679, A replaced by G.
Protein change: p.Lys560Arg; replaces lysine 560 with arginine.
Molecular consequence: missense variant.
Genome position (GRCh38, 1-based): chrX:10,449,693, T>C on the plus strand (A>G on the coding strand, the complement: MID1 is on the minus strand). VCF-style: chrX-10449693-T-C. GRCh37 (hg19) VCF-style: chrX-10417733-T-C.
Other names: c.1679A>G, p.Lys560Arg (NM_001098624.2, NM_001193277.1, NM_001347733.2 and 1 more transcripts); c.1565A>G, p.Lys522Arg (NM_033289.2); short protein forms K560R, K522R.
Identifiers: ClinVar variation 378139 (VCV000378139.3), dbSNP rs1057520313, ClinGen allele CA16608668.